The following is an entry in ClinVar:

NM_144666.3(DNHD1):c.3736G>A (p.Ala1246Thr)

Gene: DNHD1 (dynein heavy chain domain 1; plus strand). Cytogenetic location: 11p15.4.
Variant type: single nucleotide variant.
Coding change: c.3736G>A on transcript NM_144666.3 (MANE Select); coding-DNA position 3736, G replaced by A.
Protein change: p.Ala1246Thr; replaces alanine 1246 with threonine.
Molecular consequence: missense variant.
Genome position (GRCh38, 1-based): chr11:6,544,228, G>A. VCF-style: chr11-6544228-G-A. GRCh37 (hg19) VCF-style: chr11-6565458-G-A.
Other names: short protein forms A1246T.
Identifiers: ClinVar variation 715738 (VCV000715738.30), dbSNP rs186978440, ClinGen allele CA5855932.
Genomic context (GRCh38, chr11:6,544,228, plus strand): 5'-TCCAAGATCTTGGCCATCGAAAAGTCAGGAGATTTAAACAAAATAGCTTTGGAGTGGGTG[G>A]CCATCATGCATGGCCTGGGTAAGTGCAGGCCTCTAGCCAGGCTGATGGGTGAGACCTGAG-3'
Protein context (NP_653267.2, residues 1236-1256): DLNKIALEWV[Ala1246Thr]IMHGLGALLE

ClinVar aggregate classification (germline): Benign/Likely benign. Review status: criteria provided, multiple submitters, no conflicts (2 of 4 stars). 4 submissions from 4 submitters: Benign (2); Likely benign (1). 1 of the submissions does not count toward it. Last evaluated 2023-01-01.

Conditions:
DNHD1-related disorder. Also called: DNHD1-related condition.

Allele frequency attached by ClinVar (database versions not stated): 1000 Genomes Project 30x 0.00203; 1000 Genomes Project 0.00220; gnomAD 0.00227 and 0.00242; TOPMed 0.00231; ESP Exome Variant Server 0.00285; gnomAD exomes 0.00326 and 0.00412; ExAC 0.00507.
gnomAD v4.1: 6,024 of 1,551,572 alleles (0.39%); highest among the groups gnomAD compares: South Asian, 0.99%; 27 homozygotes.

Submissions (4):

CeGaT Center for Human Genetics Tuebingen
Classification: Likely benign. Last evaluated: 2023-01-01. Review status: criteria provided, single submitter. Criteria: CeGaT Center For Human Genetics Tuebingen Variant Classification Criteria Version 2. Collection method: clinical testing. Allele origin: germline. Affected: yes. Observed: 1 variant allele.
Comment: DNHD1: PP2, BP4, BS2

Labcorp Genetics (formerly Invitae), Labcorp
Classification: Benign. Last evaluated: 2019-12-31. Review status: criteria provided, single submitter. Criteria: Invitae Variant Classification Sherloc (09022015). Collection method: clinical testing. Allele origin: germline.

Breakthrough Genomics
Classification: Benign. Review status: criteria provided, single submitter. Criteria: ACMG Guidelines, 2015. Collection method: not provided. Allele origin: germline. Inheritance: Autosomal recessive inheritance. Affected: yes.

PreventionGenetics, part of Exact Sciences
Classification: Benign for DNHD1-related condition. Last evaluated: 2019-05-28. Review status: no assertion criteria provided. Collection method: clinical testing. Allele origin: germline. Not counted in ClinVar's aggregate classification.
Comment: This variant is classified as benign based on ACMG/AMP sequence variant interpretation guidelines (Richards et al. 2015 PMID: 25741868, with internal and published modifications).